The following is an entry in ClinVar:

NM_003327.4(TNFRSF4):c.515C>A (p.Pro172Gln)

Gene: TNFRSF4 (TNF receptor superfamily member 4; minus strand). Cytogenetic location: 1p36.33.
Variant type: single nucleotide variant.
Coding change: c.515C>A on transcript NM_003327.4 (MANE Select); coding-DNA position 515, C replaced by A.
Protein change: p.Pro172Gln; replaces proline 172 with glutamine.
Molecular consequence: missense variant.
Genome position (GRCh38, 1-based): chr1:1,212,061, G>T on the plus strand (C>A on the coding strand, the complement: TNFRSF4 is on the minus strand). VCF-style: chr1-1212061-G-T. GRCh37 (hg19) VCF-style: chr1-1147441-G-T.
Other names: c.515C>A, p.Pro172Gln (NM_001410709.1); short protein forms P172Q.
Identifiers: ClinVar variation 3684237 (VCV003684237.2).

ClinVar aggregate classification (germline): Uncertain significance (1 of 4 stars; one submission).

Conditions:
Combined immunodeficiency due to OX40 deficiency. Also called: Immunodeficiency 16; OX40 DEFICIENCY. Identifiers: Orphanet 431149, MedGen C3810053, MONDO:0014268, OMIM 615593.

gnomAD v4.1: 6 of 1,610,964 alleles (0.00037%); highest among the groups gnomAD compares: Non-Finnish European, 0.00051%; no homozygotes.

Submission:

Labcorp Genetics (formerly Invitae), Labcorp
Classification: Uncertain significance for Combined immunodeficiency due to OX40 deficiency. Last evaluated: 2025-07-21. Review status: criteria provided, single submitter. Criteria: Invitae Variant Classification Sherloc (09022015). Collection method: clinical testing. Allele origin: germline.
Comment: This sequence change replaces proline, which is neutral and non-polar, with glutamine, which is neutral and polar, at codon 172 of the TNFRSF4 protein (p.Pro172Gln). This variant is present in population databases (rs776776152, gnomAD 0.0009%). This variant has not been reported in the literature in individuals affected with TNFRSF4-related conditions. ClinVar contains an entry for this variant (Variation ID: 3684237). Invitae Evidence Modeling of protein sequence and biophysical properties (such as structural, functional, and spatial information, amino acid conservation, physicochemical variation, residue mobility, and thermodynamic stability) indicates that this missense variant is not expected to disrupt TNFRSF4 protein function with a negative predictive value of 80%. In summary, the available evidence is currently insufficient to determine the role of this variant in disease. Therefore, it has been classified as a Variant of Uncertain Significance.